The following is an entry in ClinVar:

ClinVar aggregate classification (germline): Uncertain significance. Review status: criteria provided, multiple submitters, no conflicts (2 of 4 stars). 5 submissions from 5 submitters: Uncertain significance (5). Last evaluated 2025-07-02.

Conditions:
Cardiovascular phenotype. Identifiers: MedGen CN230736.
Hypertrophic cardiomyopathy. Also called: HYPERTROPHIC MYOCARDIOPATHY. Identifiers: Orphanet 217569, MedGen C0007194, MeSH D002312, MONDO:0005045, HP:0001639.

Allele frequency attached by ClinVar (database versions not stated): gnomAD exomes below 0.00001.
gnomAD v4.1: 1 of 1,614,152 alleles (0.000062%); highest among the groups gnomAD compares: Non-Finnish European, 0.000085%; no homozygotes.

Submissions (5):

Labcorp Genetics (formerly Invitae), Labcorp
Classification: Uncertain significance for Hypertrophic cardiomyopathy. Last evaluated: 2025-07-02. Review status: criteria provided, single submitter. Criteria: Invitae Variant Classification Sherloc (09022015). Collection method: clinical testing. Allele origin: germline.
Comment: This sequence change replaces aspartic acid, which is acidic and polar, with asparagine, which is neutral and polar, at codon 168 of the MYH7 protein (p.Asp168Asn). This variant is not present in population databases (gnomAD no frequency). This missense change has been observed in individual(s) with hypertrophic cardiomyopathy (PMID: 27247418). ClinVar contains an entry for this variant (Variation ID: 181308). An algorithm developed to predict the effect of missense changes on protein structure and function (PolyPhen-2) suggests that this variant is likely to be disruptive. In summary, the available evidence is currently insufficient to determine the role of this variant in disease. Therefore, it has been classified as a Variant of Uncertain Significance.

Blueprint Genetics
Classification: Uncertain significance. Last evaluated: 2024-10-11. Review status: criteria provided, single submitter. Criteria: ACMG Guidelines, 2015. Collection method: clinical testing. Allele origin: germline.

Ambry Genetics
Classification: Uncertain significance for Cardiovascular phenotype. Last evaluated: 2024-09-11. Review status: criteria provided, single submitter. Criteria: Ambry Variant Classification Scheme 2023. Collection method: clinical testing. Allele origin: germline.
Comment: The p.D168N variant (also known as c.502G>A), located in coding exon 3 of the MYH7 gene, results from a G to A substitution at nucleotide position 502. The amino acid change results in aspartic acid to asparagine at codon 168, an amino acid with highly similar properties. However, this change occurs in the last base pair of coding exon 3, which makes it likely to have some effect on normal mRNA splicing. This alteration has been reported in a hypertrophic cardiomyopathy (HCM) registry cohort (Homburger JR et al. Proc Natl Acad Sci U S A, 2016 Jun;113:6701-6). This nucleotide position is highly conserved in available vertebrate species. In silico splice site analysis predicts that this alteration will not have any significant effect on splicing. This amino acid position is highly conserved in available vertebrate species. In addition, as a missense substitution this is predicted to be tolerated by in silico analysis. Based on the available evidence, the clinical significance of this variant remains unclear.

Stanford Center for Inherited Cardiovascular Disease, Stanford University
Classification: Uncertain significance. Last evaluated: 2013-05-22. Review status: criteria provided, single submitter. Criteria: ACMG Guidelines, 2015. Collection method: provider interpretation. Allele origin: germline.

GeneDx
Classification: Uncertain significance. Last evaluated: 2012-05-29. Review status: criteria provided, single submitter. Criteria: GeneDx Variant Classification (06012015). Collection method: clinical testing. Allele origin: germline. Affected: yes.
Comment: p.Asp168Asn (GAC>AAC): c.502 G>A in exon 5 of the MYH7 gene (NM_000257.2). The Asp168Asn variant in the MYH7 gene has not been reported previously as a disease-causing mutation nor as a benign polymorphism, to our knowledge. Asp168Asn is a non-conservative amino acid substitution of a negatively charged Aspartic acid with a neutral, polar Asparagine at a residue that is conserved across species. Asp168Asn affects the last nucleotide of exon 5, which is predicted to destroy the canonical splice donor site of intron 5. This variant is predicted to lead to either an abnormal message, which is subjected to nonsense-mediated mRNA decay, or to an abnormal protein product if the message is used for protein translation. In addition, the NHLBI ESP Exome Variant Server reports Asp168Asn was not observed in approximately 4,500 samples from individuals of European and African American backgrounds, indicating it is not a common benign variant in these populations. However, few splice site mutations, or other premature termination codon mutations, have been reported in the MYH7 gene to date. In summary, the clinical significance of the Asp168Asn variant in the MYH7 gene is currently unknown. The variant is found in HCM panel(s).

Literature cited by the submitters: PubMed 27247418 (cited by Labcorp Genetics (formerly Invitae), Labcorp and Ambry Genetics).

NM_000257.4(MYH7):c.502G>A (p.Asp168Asn)

Gene: MYH7 (myosin heavy chain 7; minus strand). Cytogenetic location: 14q11.2.
Variant type: single nucleotide variant.
Coding change: c.502G>A on transcript NM_000257.4 (MANE Select); coding-DNA position 502, G replaced by A.
Protein change: p.Asp168Asn; replaces aspartic acid 168 with asparagine.
Molecular consequence: missense variant.
Genome position (GRCh38, 1-based): chr14:23,432,639, C>T on the plus strand (G>A on the coding strand, the complement: MYH7 is on the minus strand). VCF-style: chr14-23432639-C-T. GRCh37 (hg19) VCF-style: chr14-23901848-C-T.
Other names: p.D168N:GAC>AAC; c.502G>A (LRG_384t1); short protein forms D168N.
Identifiers: ClinVar variation 181308 (VCV000181308.12), dbSNP rs730880840, ClinGen allele CA015588.
Genomic context (GRCh38, chr14:23,432,639, plus strand): 5'-TCCCTCTCCCTCCCGGCCTATCCCAGTTCCCTTCAGGAAGACCCTTCCAGGGCCTCTCAC[C>T]TGTCAGCATGTACTGATAGGCGTTGTCGGAGATGGAGAAGATGTGGGGCGGGGCCTCGCT-3'
Protein context (NP_000248.2, residues 158-178): SDNAYQYMLT[Asp168Asn]RENQSILITG